The following is an entry in ClinVar:

ClinVar aggregate classification (germline): Benign/Likely benign. Review status: criteria provided, multiple submitters, no conflicts (2 of 4 stars). 3 submissions from 3 submitters: Benign (1); Likely benign (1). 1 of the submissions does not count toward it. Last evaluated 2025-03-17.

Conditions:
DDX3X-related disorder. Also called: DDX3X-related condition.

Submissions (3):

Labcorp Genetics (formerly Invitae), Labcorp
Classification: Benign. Last evaluated: 2025-03-17. Review status: criteria provided, single submitter. Criteria: Invitae Variant Classification Sherloc (09022015). Collection method: clinical testing. Allele origin: germline.

GeneDx
Classification: Likely benign. Last evaluated: 2020-03-13. Review status: criteria provided, single submitter. Criteria: GeneDx Variant Classification Process June 2021. Collection method: clinical testing. Allele origin: germline. Affected: yes.

PreventionGenetics, part of Exact Sciences
Classification: Likely benign for DDX3X-related condition. Last evaluated: 2021-03-23. Review status: no assertion criteria provided. Collection method: clinical testing. Allele origin: germline. Not counted in ClinVar's aggregate classification.
Comment: This variant is classified as likely benign based on ACMG/AMP sequence variant interpretation guidelines (Richards et al. 2015 PMID: 25741868, with internal and published modifications).

NM_001356.5(DDX3X):c.285-14_285-11del

Gene: DDX3X (DEAD-box helicase 3 X-linked; plus strand). Cytogenetic location: Xp11.4.
Variant type: Deletion.
Coding change: c.285-14_285-11del on transcript NM_001356.5 (MANE Select); 14 bases into the intron before coding-DNA position 285 through 11 bases into the intron before coding-DNA position 285, 4 bases deleted (CTTG; older notation c.285-14_285-11delCTTG).
Molecular consequence: intron variant.
Genome position (GRCh38, 1-based): chrX:41,342,481-41,342,484, CTTG deleted; deleting any 4 consecutive bases within chrX:41,342,478-41,342,484 gives the same sequence; the c. name uses the placement nearest the transcript's 3' end. VCF-style (leftmost placement, unchanged base first): chrX-41342477-ATTGC-A. GRCh37 (hg19) VCF-style: chrX-41201730-ATTGC-A.
Other names: c.285-14_285-11delCTTG (NM_001193416.2); c.285-14_285-11del (NM_001193416.3); c.237-14_237-11del (NM_001193417.3); c.-274-14_-274-11del (NM_001363819.1).
Identifiers: ClinVar variation 1187713 (VCV001187713.12), dbSNP rs751523291, ClinGen allele CA10389400.
Genomic context (GRCh38, chrX:41,342,477, plus strand): 5'-GATACAGTTCTAGAGTAGGGATAAGAATCTGATAATGGTTAAATGATATGATTCTGATTA[ATTGC>A]TTGTGCTGTTCAGGTTTGATGATCGTGGACGGAGTGATTACGATGGCATTGGCAGCCGTG-3'